The following is an entry in ClinVar:

NM_020458.4(TTC7A):c.1281_1282insTT (p.Gly428fs)

Gene: TTC7A (tetratricopeptide repeat domain 7A; plus strand). Cytogenetic location: 2p21.
Variant type: Insertion.
Coding change: c.1281_1282insTT on transcript NM_020458.4 (MANE Select); coding-DNA positions 1281 to 1282, TT inserted.
Protein change: p.Gly428fs; shifts the reading frame from glycine 428.
Molecular consequence: frameshift variant.
Genome position: GRCh38 VCF-style: chr2-47006717-G-GTT. GRCh37 (hg19) VCF-style: chr2-47233856-G-GTT.
Other names: c.1281_1282insTT, p.Gly428fs (NM_001288951.2); c.1179_1180insTT, p.Gly394fs (NM_001288953.2); c.219_220insTT, p.Gly74fs (NM_001288955.2); short protein forms G428fs, G394fs, G74fs.
Identifiers: ClinVar variation 2049714 (VCV002049714.4), dbSNP rs2466731626, ClinGen allele CA2580066552.

ClinVar aggregate classification (germline): Pathogenic (1 of 4 stars; one submission).

Conditions:
Multiple gastrointestinal atresias. Also called: FAMILIAL INTESTINAL POLYATRESIA SYNDROME; Multiple intestinal atresia. Identifiers: Orphanet 2300, MedGen C0220744, MONDO:0009465.

Submission:

Labcorp Genetics (formerly Invitae), Labcorp
Classification: Pathogenic for Multiple gastrointestinal atresias. Last evaluated: 2021-12-20. Review status: criteria provided, single submitter. Criteria: Invitae Variant Classification Sherloc (09022015). Collection method: clinical testing. Allele origin: germline.
Comment: This variant is not present in population databases (gnomAD no frequency). This sequence change creates a premature translational stop signal (p.Gly428Leufs*15) in the TTC7A gene. It is expected to result in an absent or disrupted protein product. Loss-of-function variants in TTC7A are known to be pathogenic (PMID: 23830146, 24292712). This variant has not been reported in the literature in individuals affected with TTC7A-related conditions. For these reasons, this variant has been classified as Pathogenic.

Literature cited by the submitters: PubMed 23830146; PubMed 24292712.